The following is an entry in ClinVar:

NM_001114753.3(ENG):c.88T>C (p.Cys30Arg)

Gene: ENG (endoglin; minus strand). Cytogenetic location: 9q34.11.
Variant type: single nucleotide variant.
Coding change: c.88T>C on transcript NM_001114753.3 (MANE Select); coding-DNA position 88, T replaced by C.
Protein change: p.Cys30Arg; replaces cysteine 30 with arginine.
Molecular consequence: missense variant. On other transcripts: 5 prime UTR variant (1).
Genome position (GRCh38, 1-based): chr9:127,843,225, A>G on the plus strand (T>C on the coding strand, the complement: ENG is on the minus strand). VCF-style: chr9-127843225-A-G. GRCh37 (hg19) VCF-style: chr9-130605504-A-G.
Other names: c.88T>C, p.Cys30Arg (NM_000118.4, NM_001406715.1); c.-459T>C (NM_001278138.2); c.88T>C (NM_001114753.1); short protein forms C30R.
Identifiers: ClinVar variation 1333047 (VCV001333047.40), dbSNP rs1564462834, ClinGen allele CA374989177.
Genomic context (GRCh38, chr9:127,843,225, plus strand): 5'-AGACCTGGCTAGTGGTATATGTCACCTCGCCCCTCTCGGGGCCCACAGGCTGAAGGTCAC[A>G]ATGGACTGTTTCTGCAAGACCTGTTGGAGAAACATCCGGAAAGAGGCCAGGTGAGAATAA-3'
Protein context (NP_001108225.1, residues 20-40): SPTSLAETVH[Cys30Arg]DLQPVGPERG

ClinVar aggregate classification (germline): Likely pathogenic. Review status: criteria provided, multiple submitters, no conflicts (2 of 4 stars). 4 submissions from 4 submitters: Likely pathogenic (4). Last evaluated 2025-09-12.

Conditions:
Hereditary hemorrhagic telangiectasia (HHT). Also called: Osler hemorrhagic telangiectasia syndrome; ORW DISEASE; Osler Weber Rendu syndrome; OSLER-RENDU-WEBER DISEASE. Identifiers: Orphanet 774, MedGen C0039445, MONDO:0019180. Disease mechanism: loss of function.
Cardiovascular phenotype. Identifiers: MedGen CN230736.

Submissions (4):

Ambry Genetics
Classification: Likely pathogenic for Cardiovascular phenotype. Last evaluated: 2025-09-12. Review status: criteria provided, single submitter. Criteria: Ambry Variant Classification Scheme 2023. Collection method: clinical testing. Allele origin: germline.
Comment: The p.C30R variant (also known as c.88T>C), located in coding exon 2 of the ENG gene, results from a T to C substitution at nucleotide position 88. The cysteine at codon 30 is replaced by arginine, an amino acid with highly dissimilar properties. This variant was reported in individual(s) with features consistent with hereditary hemorrhagic telangiectasia (HHT) (Zhou F et al. Pulm Circ, 2020 Nov;10:2045894019885357; Heimdal K et al. Clin Genet, 2016 Feb;89:182-6; McDonald J et al. Genet Med, 2020 Jul;22:1201-1205; Ambry internal data). Based on internal structural analysis, this variant is more disruptive than known pathogenic variants (Saito T et al. Cell Rep, 2017 May;19:1917-1928). This amino acid position is highly conserved in available vertebrate species. In addition, this alteration is predicted to be deleterious by in silico analysis. This variant is considered to be rare based on population cohorts in the Genome Aggregation Database (gnomAD). Based on the majority of available evidence to date, this variant is likely to be pathogenic.

Labcorp Genetics (formerly Invitae), Labcorp
Classification: Likely pathogenic for Hereditary hemorrhagic telangiectasia. Last evaluated: 2025-08-28. Review status: criteria provided, single submitter. Criteria: Invitae Variant Classification Sherloc (09022015). Collection method: clinical testing. Allele origin: germline.
Comment: This sequence change replaces cysteine, which is neutral and slightly polar, with arginine, which is basic and polar, at codon 30 of the ENG protein (p.Cys30Arg). This variant is not present in population databases (gnomAD no frequency). This missense change has been observed in individual(s) with hereditary hemorrhagic telangiectasia (PMID: 25970827, 32300199, 33282178). ClinVar contains an entry for this variant (Variation ID: 1333047). Invitae Evidence Modeling of protein sequence and biophysical properties (such as structural, functional, and spatial information, amino acid conservation, physicochemical variation, residue mobility, and thermodynamic stability) indicates that this missense variant is expected to disrupt ENG protein function with a positive predictive value of 95%. Experimental studies have shown that this missense change affects ENG function (PMID: 33282178). In summary, the currently available evidence indicates that the variant is pathogenic, but additional data are needed to prove that conclusively. Therefore, this variant has been classified as Likely Pathogenic.

CeGaT Center for Human Genetics Tuebingen
Classification: Likely pathogenic. Last evaluated: 2022-07-01. Review status: criteria provided, single submitter. Criteria: CeGaT Center For Human Genetics Tuebingen Variant Classification Criteria Version 2. Collection method: clinical testing. Allele origin: germline. Affected: yes. Observed: 1 variant allele.
Comment: ENG: PS4, PM2, PP4

GeneDx
Classification: Likely pathogenic. Last evaluated: 2022-01-05. Review status: criteria provided, single submitter. Criteria: GeneDx Variant Classification Process June 2021. Collection method: clinical testing. Allele origin: germline. Affected: yes.
Comment: Not observed at significant frequency in large population cohorts (gnomAD); Published functional studies suggest a damaging effect: decreased cell differentiation efficiency, reduced cell surface localization, and altered BMP signaling (Zhou et al., 2020); In silico analysis supports that this missense variant has a deleterious effect on protein structure/function; Reported in ClinVar (ClinVar Variant ID# 583298); This variant is associated with the following publications: (PMID: 29033646, 33282178, 32300199)

Literature cited by the submitters: PubMed 25970827 (cited by Ambry Genetics and Labcorp Genetics (formerly Invitae), Labcorp); PubMed 28564608 (cited by Ambry Genetics); PubMed 32300199 (cited by Ambry Genetics and Labcorp Genetics (formerly Invitae), Labcorp); PubMed 33282178 (cited by Ambry Genetics and Labcorp Genetics (formerly Invitae), Labcorp).